The following is an entry in ClinVar:

ClinVar aggregate classification (germline): Conflicting classifications of pathogenicity. Review status: criteria provided, conflicting classifications (1 of 4 stars). 6 submissions from 6 submitters: Uncertain significance (1); Benign (3); Likely benign (1). 1 of the submissions does not count toward it. Last evaluated 2026-01-22.

Conditions:
Epiphyseal dysplasia, multiple, 2 (EDM2). Also called: COL9A2-Related Multiple Epiphyseal Dysplasia. Identifiers: MedGen C1838429, MONDO:0010844, OMIM 600204.
COL9A2-related disorder. Also called: COL9A2-related condition.
Inborn genetic diseases. Identifiers: MedGen C0950123, MeSH D030342.

Allele frequency attached by ClinVar (database versions not stated): gnomAD exomes 0.00007 and 0.00033; gnomAD 0.00011 and 0.00012; TOPMed 0.00014; ExAC 0.00039; 1000 Genomes Project 30x 0.00047; 1000 Genomes Project 0.00060.

Submissions (6):

Labcorp Genetics (formerly Invitae), Labcorp
Classification: Benign. Last evaluated: 2026-01-22. Review status: criteria provided, single submitter. Criteria: Invitae Variant Classification Sherloc (09022015). Collection method: clinical testing. Allele origin: germline.

Blueprint Genetics
Classification: Benign. Last evaluated: 2024-06-18. Review status: criteria provided, single submitter. Criteria: ACMG Guidelines, 2015. Collection method: clinical testing. Allele origin: germline.

Ambry Genetics
Classification: Uncertain significance for Inborn genetic diseases. Last evaluated: 2022-05-11. Review status: criteria provided, single submitter. Criteria: Ambry Variant Classification Scheme 2023. Collection method: clinical testing. Allele origin: germline.

GeneDx
Classification: Likely benign. Last evaluated: 2018-10-10. Review status: criteria provided, single submitter. Criteria: GeneDx Variant Classification Process June 2021. Collection method: clinical testing. Allele origin: germline. Affected: yes.
Comment: See Variant Classification Assertion Criteria.

Illumina Laboratory Services, Illumina
Classification: Benign for Epiphyseal dysplasia, multiple, 2. Last evaluated: 2017-04-27. Review status: criteria provided, single submitter. Criteria: ICSL Variant Classification Criteria 13 December 2019. Collection method: clinical testing. Allele origin: germline.
Comment: This variant was observed as part of a predisposition screen in an ostensibly healthy population. A literature search was performed for the gene, cDNA change, and amino acid change (where applicable). No publications were found based on this search. Allele frequency data from public databases was too high to be consistent with this variant causing disease. Therefore, this variant is classified as benign.

PreventionGenetics, part of Exact Sciences
Classification: Likely benign for COL9A2-related condition. Last evaluated: 2020-02-19. Review status: no assertion criteria provided. Collection method: clinical testing. Allele origin: germline. Not counted in ClinVar's aggregate classification.
Comment: This variant is classified as likely benign based on ACMG/AMP sequence variant interpretation guidelines (Richards et al. 2015 PMID: 25741868, with internal and published modifications).

NM_001852.4(COL9A2):c.1781C>T (p.Thr594Met)

Gene: COL9A2 (collagen type IX alpha 2 chain; minus strand). Cytogenetic location: 1p34.2.
Variant type: single nucleotide variant.
Coding change: c.1781C>T on transcript NM_001852.4 (MANE Select); coding-DNA position 1781, C replaced by T.
Protein change: p.Thr594Met; replaces threonine 594 with methionine.
Molecular consequence: missense variant.
Genome position (GRCh38, 1-based): chr1:40,302,632, G>A on the plus strand (C>T on the coding strand, the complement: COL9A2 is on the minus strand). VCF-style: chr1-40302632-G-A. GRCh37 (hg19) VCF-style: chr1-40768304-G-A.
Other names: short protein forms T594M.
Identifiers: ClinVar variation 874335 (VCV000874335.16), dbSNP rs567504204, ClinGen allele CA791340.